The following is an entry in ClinVar:

NM_020937.4(FANCM):c.1310-13T>C

Gene: FANCM (FA complementation group M; plus strand). Cytogenetic location: 14q21.2.
Variant type: single nucleotide variant.
Coding change: c.1310-13T>C on transcript NM_020937.4 (MANE Select); 13 bases into the intron before coding-DNA position 1310, T replaced by C.
Molecular consequence: intron variant.
Genome position (GRCh38, 1-based): chr14:45,155,360, T>C. VCF-style: chr14-45155360-T-C. GRCh37 (hg19) VCF-style: chr14-45624563-T-C.
Other names: c.1232-13T>C (NM_001308133.2); c.1310-13T>C (NM_001308134.2).
Identifiers: ClinVar variation 1543622 (VCV001543622.8), dbSNP rs749995672, ClinGen allele CA7169015.

ClinVar aggregate classification (germline): Conflicting classifications of pathogenicity. Review status: criteria provided, conflicting classifications (1 of 4 stars). 2 submissions from 2 submitters: Uncertain significance (1); Likely benign (1). Last evaluated 2023-01-01.

Conditions:
Fanconi anemia (FA). Also called: Fanconi's anemia. Identifiers: Orphanet 84, MedGen C0015625, MeSH D005199, MONDO:0019391.

Allele frequency attached by ClinVar (database versions not stated): gnomAD exomes below 0.00001 and 0.00002; ExAC 0.00001.
gnomAD v4.1: 15 of 1,136,202 alleles (0.0013%); highest among the groups gnomAD compares: Non-Finnish European, 0.002%; no homozygotes.

Submissions (2):

Labcorp Genetics (formerly Invitae), Labcorp
Classification: Likely benign for Fanconi anemia. Last evaluated: 2023-01-01. Review status: criteria provided, single submitter. Criteria: Invitae Variant Classification Sherloc (09022015). Collection method: clinical testing. Allele origin: germline.

GeneDx
Classification: Uncertain significance. Last evaluated: 2022-08-26. Review status: criteria provided, single submitter. Criteria: GeneDx Variant Classification Process June 2021. Collection method: clinical testing. Allele origin: germline. Affected: yes.
Comment: Not observed at significant frequency in large population cohorts (gnomAD); In silico analysis supports that this variant does not alter splicing; Has not been previously published as pathogenic or benign to our knowledge